The following is an entry in ClinVar:

NM_000037.4(ANK1):c.3984+5C>T

Gene: ANK1 (ankyrin 1; minus strand). Cytogenetic location: 8p11.21.
Variant type: single nucleotide variant.
Coding change: c.3984+5C>T on transcript NM_000037.4 (MANE Select); 5 bases into the intron after coding-DNA position 3984, C replaced by T.
Molecular consequence: intron variant.
Genome position (GRCh38, 1-based): chr8:41,690,469, G>A on the plus strand (C>T on the coding strand, the complement: ANK1 is on the minus strand). VCF-style: chr8-41690469-G-A. GRCh37 (hg19) VCF-style: chr8-41547987-G-A.
Other names: c.4107+5C>T (NM_001142446.2); c.3984+5C>T (NM_020477.3, NM_020475.3, NM_020476.3).
Identifiers: ClinVar variation 3712652 (VCV003712652.2).
Genomic context (GRCh38, chr8:41,690,469, plus strand): 5'-TTAGGGAATTCTGCCTCCCCAACTTTCTAGACCCAGAGGAGAACTCAGCCAGAGGGTGCC[G>A]GCACCTTTACAGGCATGGCCAGACGGTTCTCCCGAAATGACTGGAAGTGGAAGCTCCGCT-3'

ClinVar aggregate classification (germline): Uncertain significance (1 of 4 stars; one submission).

gnomAD v4.1: 55 of 1,614,044 alleles (0.0034%); highest among the groups gnomAD compares: Middle Eastern, 0.016%; no homozygotes.

Submission:

Labcorp Genetics (formerly Invitae), Labcorp
Classification: Uncertain significance. Last evaluated: 2025-01-06. Review status: criteria provided, single submitter. Criteria: Invitae Variant Classification Sherloc (09022015). Collection method: clinical testing. Allele origin: germline.
Comment: This sequence change falls in intron 32 of the ANK1 gene. It does not directly change the encoded amino acid sequence of the ANK1 protein. It affects a nucleotide within the consensus splice site. This variant is present in population databases (rs377649925, gnomAD 0.006%). This variant has not been reported in the literature in individuals affected with ANK1-related conditions. Variants that disrupt the consensus splice site are a relatively common cause of aberrant splicing (PMID: 17576681, 9536098). Algorithms developed to predict the effect of sequence changes on RNA splicing suggest that this variant is not likely to affect RNA splicing. In summary, the available evidence is currently insufficient to determine the role of this variant in disease. Therefore, it has been classified as a Variant of Uncertain Significance.

Literature cited by the submitters: PubMed 17576681; PubMed 9536098.